The following is an entry in ClinVar:

ClinVar aggregate classification (germline): Pathogenic (1 of 4 stars; one submission).

Conditions:
Inborn genetic diseases. Identifiers: MedGen C0950123, MeSH D030342.

Submission:

Ambry Genetics
Classification: Pathogenic for Inborn genetic diseases. Last evaluated: 2025-06-05. Review status: criteria provided, single submitter. Criteria: Ambry Variant Classification Scheme 2023. Collection method: clinical testing. Allele origin: germline.
Comment: The c.106-2A>G intronic variant results from an A to G substitution two nucleotide(s) before exon 3 (coding exon 2) of the EFTUD2 gene. The stop codon in the predicted resulting transcript occurs in the 5' end of the EFTUD2 gene. As such, this alteration may escape nonsense-mediated mRNA decay and/or be prone to rescue by reinitiation (Rivas, 2015; Lindeboom, 2016; Rhee, 2017). The exact functional effect of this alteration is unknown; however, the region predicted to be impacted is critical for protein function (Ambry internal data). This variant was not reported in population-based cohorts in the Genome Aggregation Database (gnomAD). This variant has been reported in a pair of siblings with features consistent with Mandibulofacial dysostosis, Guion-Almeida type (Huang, 2016). This nucleotide position is highly conserved in available vertebrate species. In silico splice site analysis predicts that this alteration will weaken the native splice acceptor site and may result in the creation or strengthening of a novel splice acceptor site. Based on the available evidence, this alteration is classified as pathogenic.

Literature cited by the submitters: PubMed 25954003; PubMed 26507355; PubMed 27618451; PubMed 28490743.

NM_004247.4(EFTUD2):c.106-2A>G

Gene: EFTUD2 (elongation factor Tu GTP binding domain containing 2; minus strand). Cytogenetic location: 17q21.31.
Variant type: single nucleotide variant.
Coding change: c.106-2A>G on transcript NM_004247.4 (MANE Select); the canonical splice acceptor site of the intron before coding-DNA position 106, A replaced by G.
Molecular consequence: splice acceptor variant.
Genome position (GRCh38, 1-based): chr17:44,886,752, T>C on the plus strand (A>G on the coding strand, the complement: EFTUD2 is on the minus strand). VCF-style: chr17-44886752-T-C. GRCh37 (hg19) VCF-style: chr17-42964120-T-C.
Other names: c.1-2A>G (NM_001142605.2); c.106-2A>G (NM_001258354.2, NM_001258353.2).
Identifiers: ClinVar variation 4016625 (VCV004016625.1).
Genomic context (GRCh38, chr17:44,886,752, plus strand): 5'-ATCCCAGGGTGGTCATCGTCATGATCTCCTACGTCATCGTCGTCGTCATCATCATCCATC[T>C]GAAAGCAAGAGGGAGAGGGAGAATCGAAGAGGCACACGCTTTTCCTGTTTGATATCTGAC-3'